The following is an entry in ClinVar:

NM_001042492.3(NF1):c.3556dup (p.Ile1186fs)

Gene: NF1 (neurofibromin 1; plus strand). Cytogenetic location: 17q11.2.
Variant type: Duplication.
Coding change: c.3556dup on transcript NM_001042492.3 (MANE Select); coding-DNA position 3556, one base duplicated (A; older notation c.3556dupA).
Protein change: p.Ile1186fs; shifts the reading frame from isoleucine 1186.
Molecular consequence: frameshift variant.
Genome position (GRCh38, 1-based): chr17:31,233,061, A duplicated; the last of 5 consecutive A bases (chr17:31,233,057-31,233,061); duplicating any one gives the same sequence. VCF-style (leftmost placement, unchanged base first): chr17-31233056-C-CA. GRCh37 (hg19) VCF-style: chr17-29560074-C-CA.
Other names: c.3556dup, p.Ile1186Asnfs (NM_000267.4); short protein forms I1186fs.
Identifiers: ClinVar variation 3649735 (VCV003649735.2).

ClinVar aggregate classification (germline): Pathogenic (1 of 4 stars; one submission).

Conditions:
Neurofibromatosis, type 1 (NF1). Also called: Peripheral type neurofibromatosis; VON RECKLINGHAUSEN DISEASE; Neurofibromatosis, type I; NEUROFIBROMATOSIS, TYPE I, SOMATIC. Identifiers: Orphanet 636, MedGen C0027831, MONDO:0018975, OMIM 162200. Disease mechanism: loss of function.

Submission:

Labcorp Genetics (formerly Invitae), Labcorp
Classification: Pathogenic for Neurofibromatosis, type 1. Last evaluated: 2025-08-09. Review status: criteria provided, single submitter. Criteria: Invitae Variant Classification Sherloc (09022015). Collection method: clinical testing. Allele origin: germline.
Comment: This sequence change creates a premature translational stop signal (p.Ile1186Asnfs*9) in the NF1 gene. It is expected to result in an absent or disrupted protein product. Loss-of-function variants in NF1 are known to be pathogenic (PMID: 10712197, 23913538). This variant is not present in population databases (gnomAD no frequency). This variant has not been reported in the literature in individuals affected with NF1-related conditions. ClinVar contains an entry for this variant (Variation ID: 3649735). For these reasons, this variant has been classified as Pathogenic.

Literature cited by the submitters: PubMed 10712197; PubMed 23913538.